The following is an entry in ClinVar:

ClinVar aggregate classification (germline): Uncertain significance (1 of 4 stars; one submission).

Conditions:
Agammaglobulinemia 2, autosomal recessive (AGM2). Also called: AGAMMAGLOBULINEMIA, AUTOSOMAL RECESSIVE, DUE TO IGLL1 DEFECT. Identifiers: MedGen C3150750, MONDO:0013287, OMIM 613500.

Submission:

Labcorp Genetics (formerly Invitae), Labcorp
Classification: Uncertain significance for Agammaglobulinemia 2, autosomal recessive. Last evaluated: 2024-06-03. Review status: criteria provided, single submitter. Criteria: Invitae Variant Classification Sherloc (09022015). Collection method: clinical testing. Allele origin: germline.
Comment: This sequence change falls in intron 1 of the IGLL1 gene. It does not directly change the encoded amino acid sequence of the IGLL1 protein. It affects a nucleotide within the consensus splice site. This variant is present in population databases (no rsID available, gnomAD 0.0009%). This variant has not been reported in the literature in individuals affected with IGLL1-related conditions. ClinVar contains an entry for this variant (Variation ID: 2012013). Variants that disrupt the consensus splice site are a relatively common cause of aberrant splicing (PMID: 17576681, 9536098). Algorithms developed to predict the effect of sequence changes on RNA splicing suggest that this variant may disrupt the consensus splice site. In summary, the available evidence is currently insufficient to determine the role of this variant in disease. Therefore, it has been classified as a Variant of Uncertain Significance.

Literature cited by the submitters: PubMed 17576681; PubMed 9536098.

NM_020070.4(IGLL1):c.207-3C>G

Gene: IGLL1 (immunoglobulin lambda like polypeptide 1; minus strand). Cytogenetic location: 22q11.23.
Variant type: single nucleotide variant.
Coding change: c.207-3C>G on transcript NM_020070.4 (MANE Select); 3 bases into the intron before coding-DNA position 207, C replaced by G.
Molecular consequence: intron variant. On other transcripts: missense variant (1).
Genome position (GRCh38, 1-based): chr22:23,575,085, G>C on the plus strand (C>G on the coding strand, the complement: IGLL1 is on the minus strand). VCF-style: chr22-23575085-G-C. GRCh37 (hg19) VCF-style: chr22-23917272-G-C.
Other names: c.207-1500C>G (NM_152855.3); c.207C>G, p.Ser69Arg (NM_001369906.1); short protein forms S69R.
Identifiers: ClinVar variation 2012013 (VCV002012013.4), dbSNP rs1431013415, ClinGen allele CA410899266.